The following is an entry in ClinVar:

NM_005263.5(GFI1):c.764A>T (p.Tyr255Phe)

Gene: GFI1 (growth factor independent 1 transcriptional repressor; minus strand). Cytogenetic location: 1p22.1.
Variant type: single nucleotide variant.
Coding change: c.764A>T on transcript NM_005263.5 (MANE Select); coding-DNA position 764, A replaced by T.
Protein change: p.Tyr255Phe; replaces tyrosine 255 with phenylalanine.
Molecular consequence: missense variant.
Genome position (GRCh38, 1-based): chr1:92,480,623, T>A on the plus strand (A>T on the coding strand, the complement: GFI1 is on the minus strand). VCF-style: chr1-92480623-T-A. GRCh37 (hg19) VCF-style: chr1-92946180-T-A.
Other names: c.764A>T, p.Tyr255Phe (NM_001127215.3, NM_001127216.3); short protein forms Y255F.
Identifiers: ClinVar variation 3519811 (VCV003519811.1).
Genomic context (GRCh38, chr1:92,480,623, plus strand): 5'-GCGCACGGCAGGCGAGGTGGTGAGCTCGGGAGCCTCACCTTGCTGCACTTGATGCACTTG[T>A]AGGAGCCGCCGCCCAGCAGCAGGCGGGTGCACAGCAGCTCCGACTCCACCTTGACGCCAG-3'
Protein context (NP_005254.2, residues 245-265): CTRLLLGGGS[Tyr255Phe]KCIKCSKVFS

ClinVar aggregate classification (germline): Uncertain significance (1 of 4 stars; one submission).

gnomAD v4.1: 20 of 1,571,992 alleles (0.0013%); highest among the groups gnomAD compares: Non-Finnish European, 0.0017%; no homozygotes.

Submission:

Ambry Genetics
Classification: Uncertain significance. Last evaluated: 2024-11-18. Review status: criteria provided, single submitter. Criteria: Ambry Variant Classification Scheme 2023. Collection method: clinical testing. Allele origin: germline.
Comment: The p.Y255F variant (also known as c.764A>T), located in coding exon 3 of the GFI1 gene, results from an A to T substitution at nucleotide position 764. The tyrosine at codon 255 is replaced by phenylalanine, an amino acid with highly similar properties. This amino acid position is conserved. In addition, this alteration is predicted to be tolerated by in silico analysis. Based on the available evidence, the clinical significance of this variant remains unclear.